The following is an entry in ClinVar:

NM_001367868.2(PLIN4):c.1014T>C (p.Cys338=)

Gene: PLIN4 (perilipin 4; minus strand). Cytogenetic location: 19p13.3.
Variant type: single nucleotide variant.
Coding change: c.1014T>C on transcript NM_001367868.2 (MANE Select); coding-DNA position 1014, T replaced by C.
Protein change: p.Cys338=; no amino-acid change (cysteine 338 retained).
Molecular consequence: synonymous variant.
Genome position (GRCh38, 1-based): chr19:4,512,946, A>G on the plus strand (T>C on the coding strand, the complement: PLIN4 is on the minus strand). VCF-style: chr19-4512946-A-G. GRCh37 (hg19) VCF-style: chr19-4512958-A-G.
Other names: c.1017T>C, p.Cys339= (NM_001393888.1, NM_001393889.1); c.1014T>C, p.Cys338= (NM_001393890.1, NM_001393891.1).
Identifiers: ClinVar variation 4083769 (VCV004083769.8).

ClinVar aggregate classification (germline): Likely benign (1 of 4 stars; one submission).

Submission:

CeGaT Center for Human Genetics Tuebingen
Classification: Likely benign. Last evaluated: 2026-03-01. Review status: criteria provided, single submitter. Criteria: CeGaT Center For Human Genetics Tuebingen Variant Classification Criteria Version 2. Collection method: clinical testing. Allele origin: germline. Affected: yes. Observed: 2 variant alleles.
Comment: PLIN4: BP4, BP7